The following is an entry in ClinVar:

NM_002769.5(PRSS1):c.463C>A (p.Pro155Thr)

Genes: TRB (T cell receptor beta locus; plus strand), PRSS1 (serine protease 1; plus strand). Cytogenetic location: 7q34.
Variant type: single nucleotide variant.
Coding change: c.463C>A on transcript NM_002769.5 (MANE Select); coding-DNA position 463, C replaced by A.
Protein change: p.Pro155Thr; replaces proline 155 with threonine.
Molecular consequence: missense variant. On other transcripts: non-coding transcript variant (5).
Genome position (GRCh38, 1-based): chr7:142,752,439, C>A. VCF-style: chr7-142752439-C-A. GRCh37 (hg19) VCF-style: chr7-142460290-C-A.
Other names: short protein forms P155T.
Identifiers: ClinVar variation 2497449 (VCV002497449.3), dbSNP rs1355136604, ClinGen allele CA369609398.

ClinVar aggregate classification (germline): Uncertain significance (1 of 4 stars; one submission).

Conditions:
Hereditary pancreatitis (PCTT). Also called: Hereditary chronic pancreatitis; PRSS1-Related Hereditary Pancreatitis. Identifiers: Orphanet 676, MedGen C0238339, MONDO:0008185, OMIM 167800.

Allele frequency attached by ClinVar (database versions not stated): TOPMed below 0.00001.

Submission:

Ambry Genetics
Classification: Uncertain significance for Hereditary pancreatitis. Last evaluated: 2025-03-26. Review status: criteria provided, single submitter. Criteria: Ambry Variant Classification Scheme 2023. Collection method: clinical testing. Allele origin: germline.
Comment: The p.P155T variant (also known as c.463C>A), located in coding exon 4 of the PRSS1 gene, results from a C to A substitution at nucleotide position 463. The proline at codon 155 is replaced by threonine, an amino acid with highly similar properties. This amino acid position is conserved. In addition, the in silico prediction for this alteration is inconclusive. Since supporting evidence is limited at this time, the clinical significance of this alteration remains unclear.